The following is an entry in ClinVar:

ClinVar aggregate classification (germline): Uncertain significance (1 of 4 stars; one submission).

Conditions:
Arrhythmogenic cardiomyopathy with wooly hair and keratoderma. Also called: PALMOPLANTAR KERATODERMA WITH LEFT VENTRICULAR CARDIOMYOPATHY AND WOOLLY HAIR; Carvajal syndrome; Dilated cardiomyopathy with woolly hair and keratoderma; Arrhythmogenic cardiomyopathy with woolly hair and keratoderma. Identifiers: Orphanet 65282, MedGen C1854063, MONDO:0011581, OMIM 605676.

Submission:

All of Us Research Program, National Institutes of Health
Classification: Uncertain significance for Arrhythmogenic cardiomyopathy with wooly hair and keratoderma. Last evaluated: 2024-01-08. Review status: criteria provided, single submitter. Criteria: ACMG Guidelines, 2015. Collection method: clinical testing. Allele origin: germline. Inheritance: Autosomal dominant inheritance. Observed: 1 variant allele, 1 heterozygote.
Comment: This missense variant replaces alanine with threonine at codon 1472 of the DSP protein. Computational prediction suggests that this variant may not impact protein structure and function (internally defined REVEL score threshold <= 0.5, PMID: 27666373). To our knowledge, functional studies have not been reported for this variant. This variant has not been reported in individuals affected with DSP-related disorders in the literature. This variant has not been identified in the general population by the Genome Aggregation Database (gnomAD). The available evidence is insufficient to determine the role of this variant in disease conclusively. Therefore, this variant is classified as a Variant of Uncertain Significance.

This study involves interpretation of variants in research participants for the purpose of population health screening. Participant phenotype was not available at the time of variant classification. Additional details can be found in publication PMID: 35346344, PMCID: PMC8962531

NM_004415.4(DSP):c.4414G>A (p.Ala1472Thr)

Gene: DSP (desmoplakin; plus strand). Cytogenetic location: 6p24.3.
Variant type: single nucleotide variant.
Coding change: c.4414G>A on transcript NM_004415.4 (MANE Select); coding-DNA position 4414, G replaced by A.
Protein change: p.Ala1472Thr; replaces alanine 1472 with threonine.
Molecular consequence: missense variant. On other transcripts: intron variant (2).
Genome position (GRCh38, 1-based): chr6:7,580,604, G>A. VCF-style: chr6-7580604-G-A. GRCh37 (hg19) VCF-style: chr6-7580837-G-A.
Other names: c.4050+364G>A (NM_001319034.2); c.3582+832G>A (NM_001008844.3); short protein forms A1472T.
Identifiers: ClinVar variation 3075277 (VCV003075277.1), dbSNP rs759947926, ClinGen allele CA362686259.